The following is an entry in ClinVar:

NM_019066.5(MAGEL2):c.290G>T (p.Gly97Val)

Gene: MAGEL2 (MAGE family member L2; minus strand). Cytogenetic location: 15q11.2.
Variant type: single nucleotide variant.
Coding change: c.290G>T on transcript NM_019066.5 (MANE Select); coding-DNA position 290, G replaced by T.
Protein change: p.Gly97Val; replaces glycine 97 with valine.
Molecular consequence: missense variant.
Genome position (GRCh38, 1-based): chr15:23,647,453, C>A on the plus strand (G>T on the coding strand, the complement: MAGEL2 is on the minus strand). VCF-style: chr15-23647453-C-A. GRCh37 (hg19) VCF-style: chr15-23892600-C-A.
Other names: short protein forms G97V.
Identifiers: ClinVar variation 2634156 (VCV002634156.6), dbSNP rs771078069, ClinGen allele CA267661713.

ClinVar aggregate classification (germline): Uncertain significance. Review status: criteria provided, multiple submitters, no conflicts (2 of 4 stars). 3 submissions from 3 submitters: Uncertain significance (3). Last evaluated 2026-07-28.

Conditions:
MAGEL2-related disorder. Also called: MAGEL2-related condition.
Inborn genetic diseases. Identifiers: MedGen C0950123, MeSH D030342.

Submissions (3):

PreventionGenetics, part of Exact Sciences
Classification: Uncertain significance for MAGEL2-related condition. Last evaluated: 2026-07-28. Review status: criteria provided, single submitter. Criteria: ACMG Guidelines, 2015. Collection method: clinical testing. Allele origin: germline.
Comment: The MAGEL2 c.290G>T variant is predicted to result in the amino acid substitution p.Gly97Val. To our knowledge, this variant has not been reported in the literature. This variant is reported in 0.012% of alleles in individuals of Ashkenazi Jewish descent in gnomAD. At this time, the clinical significance of this variant is uncertain due to the absence of conclusive functional and genetic evidence.

Labcorp Genetics (formerly Invitae), Labcorp
Classification: Uncertain significance. Last evaluated: 2024-04-18. Review status: criteria provided, single submitter. Criteria: Invitae Variant Classification Sherloc (09022015). Collection method: clinical testing. Allele origin: germline.
Comment: This sequence change replaces glycine, which is neutral and non-polar, with valine, which is neutral and non-polar, at codon 97 of the MAGEL2 protein (p.Gly97Val). This variant is present in population databases (no rsID available, gnomAD 0.01%). This variant has not been reported in the literature in individuals affected with MAGEL2-related conditions. ClinVar contains an entry for this variant (Variation ID: 2634156). Experimental studies and prediction algorithms are not available or were not evaluated, and the functional significance of this variant is currently unknown. In summary, the available evidence is currently insufficient to determine the role of this variant in disease. Therefore, it has been classified as a Variant of Uncertain Significance.

Ambry Genetics
Classification: Uncertain significance for Inborn genetic diseases. Last evaluated: 2024-03-11. Review status: criteria provided, single submitter. Criteria: Ambry Variant Classification Scheme 2023. Collection method: clinical testing. Allele origin: germline.